The following is an entry in ClinVar:

ClinVar aggregate classification (germline): Uncertain significance. Review status: criteria provided, multiple submitters, no conflicts (2 of 4 stars). 3 submissions from 3 submitters: Uncertain significance (3). Last evaluated 2024-07-23.

Conditions:
Rubinstein-Taybi syndrome due to CREBBP mutations (RSTS1). Also called: BROAD THUMB-HALLUX SYNDROME; BROAD THUMBS AND GREAT TOES, CHARACTERISTIC FACIES, AND IMPAIRED INTELLECTUAL DEVELOPMENT; CREBBP-Related Rubinstein-Taybi Syndrome; RUBINSTEIN-TAYBI SYNDROME 1, INCOMPLETE; Rubinstein-Taybi syndrome 1; RUBINSTEIN SYNDROME. Identifiers: Orphanet 353277, Orphanet 783, MedGen C4551859, MONDO:0008393, OMIM 180849.
Menke-Hennekam syndrome 1 (MKHK1). Identifiers: MedGen C5193034, MONDO:0020763, OMIM 618332.
Inborn genetic diseases. Identifiers: MedGen C0950123, MeSH D030342.

Submissions (3):

Mayo Clinic Laboratories, Mayo Clinic
Classification: Uncertain significance. Last evaluated: 2024-07-23. Review status: criteria provided, single submitter. Criteria: ACMG Guidelines, 2015. Collection method: clinical testing. Allele origin: germline. Observed: 1 variant allele.
Comment: PP2, PM2

Fulgent Genetics
Classification: Uncertain significance for Rubinstein-Taybi syndrome due to CREBBP mutations; Menke-Hennekam syndrome 1. Last evaluated: 2024-06-15. Review status: criteria provided, single submitter. Criteria: ACMG Guidelines, 2015. Collection method: clinical testing. Allele origin: germline.

Ambry Genetics
Classification: Uncertain significance for Inborn genetic diseases. Last evaluated: 2023-01-26. Review status: criteria provided, single submitter. Criteria: Ambry Variant Classification Scheme 2023. Collection method: clinical testing. Allele origin: germline.

NM_004380.3(CREBBP):c.6819G>C (p.Gln2273His)

Gene: CREBBP (CREB binding lysine acetyltransferase; minus strand). Cytogenetic location: 16p13.3.
Variant type: single nucleotide variant.
Coding change: c.6819G>C on transcript NM_004380.3 (MANE Select); coding-DNA position 6819, G replaced by C.
Protein change: p.Gln2273His; replaces glutamine 2273 with histidine.
Molecular consequence: missense variant.
Genome position (GRCh38, 1-based): chr16:3,728,228, C>G on the plus strand (G>C on the coding strand, the complement: CREBBP is on the minus strand). VCF-style: chr16-3728228-C-G. GRCh37 (hg19) VCF-style: chr16-3778229-C-G.
Other names: p.Gln2273His; c.6705G>C, p.Gln2235His (NM_001079846.1); short protein forms Q2235H, Q2273H.
Identifiers: ClinVar variation 2479656 (VCV002479656.4), dbSNP rs2151301252, ClinGen allele CA394551671.